The following is an entry in ClinVar:

ClinVar aggregate classification (germline): Conflicting classifications of pathogenicity. Review status: criteria provided, conflicting classifications (1 of 4 stars). 4 submissions from 4 submitters: Uncertain significance (2); Likely benign (2). Last evaluated 2025-10-20.

Conditions:
Cardiovascular phenotype. Identifiers: MedGen CN230736.
Hereditary cancer-predisposing syndrome. Also called: Hereditary neoplastic syndrome; Neoplastic Syndromes, Hereditary; Tumor predisposition; Hereditary Cancer Syndrome. Identifiers: Orphanet 140162, MedGen C0027672, MeSH D009386, MONDO:0015356.
Neurofibromatosis, type 1 (NF1). Also called: VON RECKLINGHAUSEN DISEASE; Peripheral type neurofibromatosis; NEUROFIBROMATOSIS, TYPE I, SOMATIC; Neurofibromatosis, type I. Identifiers: Orphanet 636, MedGen C0027831, MONDO:0018975, OMIM 162200. Disease mechanism: loss of function.

Allele frequency attached by ClinVar (database versions not stated): ExAC 0.00001; gnomAD exomes 0.00002; TOPMed 0.00002.
gnomAD v4.1: 2 of 1,613,314 alleles (0.00012%); highest among the groups gnomAD compares: East Asian, 0.0045%; no homozygotes.

Submissions (4):

Labcorp Genetics (formerly Invitae), Labcorp
Classification: Likely benign for Neurofibromatosis, type 1. Last evaluated: 2025-10-20. Review status: criteria provided, single submitter. Criteria: Invitae Variant Classification Sherloc (09022015). Collection method: clinical testing. Allele origin: germline.

GeneDx
Classification: Uncertain significance. Last evaluated: 2022-12-05. Review status: criteria provided, single submitter. Criteria: GeneDx Variant Classification Process June 2021. Collection method: clinical testing. Allele origin: germline. Affected: yes.
Comment: In silico analysis supports that this missense variant does not alter protein structure/function; Has not been previously published as pathogenic or benign in association with neurodevelopmental disorders to our knowledge; This variant is associated with the following publications: (PMID: 25486365, 31672974, 29684080, 30274822)

Ambry Genetics
Classification: Likely benign for Cardiovascular phenotype; Hereditary cancer-predisposing syndrome. Last evaluated: 2022-06-09. Review status: criteria provided, single submitter. Criteria: Ambry Variant Classification Scheme 2023. Collection method: clinical testing. Allele origin: germline.

Genome-Nilou Lab
Classification: Uncertain significance for Neurofibromatosis, type 1. Last evaluated: 2022-03-15. Review status: criteria provided, single submitter. Criteria: ACMG Guidelines, 2015. Collection method: clinical testing. Allele origin: germline. Affected: no.

NM_001042492.3(NF1):c.6851C>T (p.Thr2284Ile)

Gene: NF1 (neurofibromin 1; plus strand). Cytogenetic location: 17q11.2.
Variant type: single nucleotide variant.
Coding change: c.6851C>T on transcript NM_001042492.3 (MANE Select); coding-DNA position 6851, C replaced by T.
Protein change: p.Thr2284Ile; replaces threonine 2284 with isoleucine.
Molecular consequence: missense variant.
Genome position (GRCh38, 1-based): chr17:31,338,735, C>T. VCF-style: chr17-31338735-C-T. GRCh37 (hg19) VCF-style: chr17-29665753-C-T.
Other names: c.6788C>T, p.Thr2263Ile (NM_000267.4); short protein forms T2263I, T2284I.
Identifiers: ClinVar variation 480135 (VCV000480135.15), dbSNP rs747881072, ClinGen allele CA8487441.